The following is an entry in ClinVar:

ClinVar aggregate classification (germline): Benign. Review status: criteria provided, multiple submitters, no conflicts (2 of 4 stars). 2 submissions from 2 submitters: Benign (2). Last evaluated 2018-01-12.

Conditions:
Peroxisome biogenesis disorder 5A (Zellweger) (PBD5A). Identifiers: Orphanet 912, MedGen C3553940, MONDO:0013932, OMIM 614866.

Allele frequency attached by ClinVar (database versions not stated): gnomAD 0.94956 and 0.95139; 1000 Genomes Project 30x 0.95144; TOPMed 0.95376; 1000 Genomes Project 0.95427.

Submissions (2):

Illumina Laboratory Services, Illumina
Classification: Benign for Peroxisome biogenesis disorder 5A (Zellweger). Last evaluated: 2018-01-12. Review status: criteria provided, single submitter. Criteria: ICSL Variant Classification Criteria 13 December 2019. Collection method: clinical testing. Allele origin: germline.
Comment: This variant was observed in the ICSL laboratory as part of a predisposition screen in an ostensibly healthy population. It had not been previously curated by ICSL or reported in the Human Gene Mutation Database (HGMD: prior to June 1st, 2018), and was therefore a candidate for classification through an automated scoring system. Utilizing variant allele frequency, disease prevalence and penetrance estimates, and inheritance mode, an automated score was calculated to assess if this variant is too frequent to cause the disease. Based on the score and internal cut-off values, a variant classified as benign is not then subjected to further curation. The score for this variant resulted in a classification of benign for this disease.

Breakthrough Genomics
Classification: Benign. Review status: criteria provided, single submitter. Criteria: ACMG Guidelines, 2015. Collection method: not provided. Allele origin: germline. Inheritance: Autosomal recessive inheritance. Affected: yes.

NM_000318.3(PEX2):c.*727T>C

Gene: PEX2 (peroxisomal biogenesis factor 2; minus strand). Cytogenetic location: 8q21.13.
Variant type: single nucleotide variant.
Coding change: c.*727T>C on transcript NM_000318.3 (MANE Select); 727 bases downstream of the stop codon, T replaced by C.
Molecular consequence: 3 prime UTR variant.
Genome position (GRCh38, 1-based): chr8:76,982,534, A>G on the plus strand (T>C on the coding strand, the complement: PEX2 is on the minus strand). VCF-style: chr8-76982534-A-G. GRCh37 (hg19) VCF-style: chr8-77894770-A-G.
Other names: c.*727T>C (NM_001079867.2, NM_001172086.2, NM_001172087.2).
Identifiers: ClinVar variation 363804 (VCV000363804.6), dbSNP rs4610720, ClinGen allele CA10625847.